The following is an entry in ClinVar:

ClinVar aggregate classification (germline): Conflicting classifications of pathogenicity. Review status: criteria provided, conflicting classifications (1 of 4 stars). 2 submissions from 2 submitters: Uncertain significance (1); Likely benign (1). Last evaluated 2023-03-23.

Conditions:
Hereditary cancer-predisposing syndrome. Also called: Tumor predisposition; Hereditary neoplastic syndrome; Neoplastic Syndromes, Hereditary; Hereditary Cancer Syndrome. Identifiers: Orphanet 140162, MedGen C0027672, MeSH D009386, MONDO:0015356.
Hereditary breast ovarian cancer syndrome. Also called: Hereditary breast and ovarian cancer; BRCA1- and BRCA2-Associated Hereditary Breast and Ovarian Cancer; Hereditary breast and/or ovarian cancer syndrome; Hereditary breast and ovarian cancer syndrome; Hereditary breast and ovarian cancer syndrome (HBOC); Breast and ovarian cancer. Identifiers: Orphanet 145, MedGen C0677776, MeSH D061325, MONDO:0003582. Disease mechanism: loss of function.

Submissions (2):

University of Washington Department of Laboratory Medicine, University of Washington
Classification: Likely benign for Hereditary cancer-predisposing syndrome. Last evaluated: 2023-03-23. Review status: criteria provided, single submitter. Criteria: Dines et al. (Genet Med. 2020). Collection method: curation. Allele origin: germline.
Comment: Missense variant in a coldspot region where missense variants are very unlikely to be pathogenic (PMID:31911673).

BRCA2 exon 11 coldspot. Reclassification based on statistical prior probability.

Labcorp Genetics (formerly Invitae), Labcorp
Classification: Uncertain significance for Hereditary breast ovarian cancer syndrome. Last evaluated: 2019-11-09. Review status: criteria provided, single submitter. Criteria: Invitae Variant Classification Sherloc (09022015). Collection method: clinical testing. Allele origin: germline.
Comment: In summary, the available evidence is currently insufficient to determine the role of this variant in disease. Therefore, it has been classified as a Variant of Uncertain Significance. Algorithms developed to predict the effect of sequence changes on RNA splicing suggest that this variant may create or strengthen a splice site, but this prediction has not been confirmed by published transcriptional studies. Algorithms developed to predict the effect of missense changes on protein structure and function output the following: SIFT: "Tolerated"; PolyPhen-2: "Benign"; Align-GVGD: "Class C0". The serine amino acid residue is found in multiple mammalian species, suggesting that this missense change does not adversely affect protein function. These predictions have not been confirmed by published functional studies and their clinical significance is uncertain. This variant has not been reported in the literature in individuals with BRCA2-related conditions. This variant is not present in population databases (ExAC no frequency). This sequence change replaces threonine with serine at codon 772 of the BRCA2 protein (p.Thr772Ser). The threonine residue is moderately conserved and there is a small physicochemical difference between threonine and serine.

NM_000059.4(BRCA2):c.2315C>G (p.Thr772Ser)

Gene: BRCA2 (BRCA2 DNA repair associated; plus strand). Cytogenetic location: 13q13.1.
Variant type: single nucleotide variant.
Coding change: c.2315C>G on transcript NM_000059.4 (MANE Select); coding-DNA position 2315, C replaced by G.
Protein change: p.Thr772Ser; replaces threonine 772 with serine.
Molecular consequence: missense variant.
Genome position (GRCh38, 1-based): chr13:32,336,670, C>G. VCF-style: chr13-32336670-C-G. GRCh37 (hg19) VCF-style: chr13-32910807-C-G.
Other names: short protein forms T772S.
Identifiers: ClinVar variation 958724 (VCV000958724.11), dbSNP rs1064794522, ClinGen allele CA387771427.